The following is an entry in ClinVar:

ClinVar aggregate classification (germline): Pathogenic. Review status: criteria provided, multiple submitters, no conflicts (2 of 4 stars). 5 submissions from 5 submitters: Pathogenic (5). Last evaluated 2026-04-14.

Conditions:
Progressive familial intrahepatic cholestasis type 2. Identifiers: Orphanet 79304, MedGen C3489789, MONDO:0011156, OMIM 601847.
Familial intrahepatic cholestasis. Identifiers: Orphanet 284385, MedGen CN296401, MONDO:0017290.

Allele frequency attached by ClinVar (database versions not stated): gnomAD exomes below 0.00001 and 0.00001; ExAC 0.00001; gnomAD 0.00001; TOPMed 0.00002.
gnomAD v4.1: 8 of 1,611,840 alleles (0.0005%); highest among the groups gnomAD compares: Admixed American, 0.0033%; no homozygotes.

Submissions (5):

Genomenon, Inc
Classification: Pathogenic for Familial intrahepatic cholestasis. Last evaluated: 2026-04-14. Review status: criteria provided, single submitter. Criteria: Genomenon Sequence Variant Interpretation Standards - Updated. Collection method: curation. Allele origin: germline. Affected: yes.
Comment: ABCB11 p.Arg470Ter (c.1408C>T) is a nonsense variant that introduces a premature stop codon at amino acid position 470, creating a truncated protein that is predicted to undergo nonsense-mediated mRNA decay. This variant has been observed in at least one proband with an ABCB11-related disorder (PMID:35626323;29091294;20232290;24214725). It is absent or not present at a significant frequency in gnomAD. In conclusion, we classify ABCB11 p.Arg470Ter (c.1408C>T) as a pathogenic variant.

Natera, Inc.
Classification: Pathogenic for Progressive familial intrahepatic cholestasis type 2. Last evaluated: 2025-08-27. Review status: criteria provided, single submitter. Criteria: Natera Variant Classification Schema (03/2026). Collection method: clinical testing. Allele origin: germline.
Comment: The c.1408C>T variant in ABCB11 is a nonsense variant predicted to introduce a stop codon at amino acid 470. This variant is expected to result in nonsense mediated decay, truncation, or a dysfunctional protein product. This variant is rare in the general population with a frequency below the threshold expected for the associated phenotype(s). This variant has been observed in one or more individuals affected with the associated recessive disease, as either homozygous or compound heterozygous with a second variant (PMID: 34016879). Given the available evidence, this variant is classified as Pathogenic.

Labcorp Genetics (formerly Invitae), Labcorp
Classification: Pathogenic. Last evaluated: 2024-08-29. Review status: criteria provided, single submitter. Criteria: Invitae Variant Classification Sherloc (09022015). Collection method: clinical testing. Allele origin: germline.
Comment: This sequence change creates a premature translational stop signal (p.Arg470*) in the ABCB11 gene. It is expected to result in an absent or disrupted protein product. Loss-of-function variants in ABCB11 are known to be pathogenic (PMID: 18395098, 20232290). This variant is present in population databases (rs774824767, gnomAD 0.007%). This premature translational stop signal has been observed in individual(s) with progressive familial intrahepatic cholestasis 2 (PMID: 24214725). ClinVar contains an entry for this variant (Variation ID: 499068). For these reasons, this variant has been classified as Pathogenic.

Revvity Omics, Revvity
Classification: Pathogenic. Last evaluated: 2024-02-29. Review status: criteria provided, single submitter. Criteria: ACMG Guidelines, 2015. Collection method: clinical testing. Allele origin: germline.

Eurofins Ntd Llc (ga)
Classification: Pathogenic. Last evaluated: 2016-12-05. Review status: criteria provided, single submitter. Criteria: EGL Classification Definitions 2015. Collection method: clinical testing. Allele origin: germline. Observed: 1 variant allele, 1 heterozygote.

Literature cited by the submitters: PubMed 35626323 (cited by Genomenon, Inc); PubMed 29091294 (cited by Genomenon, Inc); PubMed 20232290 (cited by Genomenon, Inc and Labcorp Genetics (formerly Invitae), Labcorp); PubMed 24214725 (cited by Genomenon, Inc and Labcorp Genetics (formerly Invitae), Labcorp); PubMed 34016879 (cited by Natera, Inc.); PubMed 18395098 (cited by Labcorp Genetics (formerly Invitae), Labcorp).

NM_003742.4(ABCB11):c.1408C>T (p.Arg470Ter)

Gene: ABCB11 (ATP binding cassette subfamily B member 11; minus strand). Cytogenetic location: 2q31.1.
Variant type: single nucleotide variant.
Coding change: c.1408C>T on transcript NM_003742.4 (MANE Select); coding-DNA position 1408, C replaced by T.
Protein change: p.Arg470Ter; replaces arginine 470 with a stop codon.
Molecular consequence: nonsense.
Genome position (GRCh38, 1-based): chr2:168,973,741, G>A on the plus strand (C>T on the coding strand, the complement: ABCB11 is on the minus strand). VCF-style: chr2-168973741-G-A. GRCh37 (hg19) VCF-style: chr2-169830251-G-A.
Other names: c.1408C>T, p.Arg470Ter (LRG_1199t1); short protein forms R470*.
Identifiers: ClinVar variation 499068 (VCV000499068.17), dbSNP rs774824767, ClinGen allele CA1951591.